The following is an entry in ClinVar:

ClinVar aggregate classification (germline): Conflicting classifications of pathogenicity. Review status: criteria provided, conflicting classifications (1 of 4 stars). 7 submissions from 7 submitters: Uncertain significance (6); Likely benign (1). Last evaluated 2025-09-02.

Conditions:
Cardiovascular phenotype. Identifiers: MedGen CN230736.
RASopathy. Also called: Noonan spectrum disorder; rasopathies. Identifiers: Orphanet 536391, MedGen C5555857, MONDO:0021060.

Allele frequency attached by ClinVar (database versions not stated): gnomAD 0.00001; ExAC 0.00002; gnomAD exomes 0.00002; TOPMed 0.00005.
gnomAD v4.1: 78 of 1,613,994 alleles (0.0048%); highest among the groups gnomAD compares: Non-Finnish European, 0.0064%; no homozygotes.

Submissions (7):

Labcorp Genetics (formerly Invitae), Labcorp
Classification: Uncertain significance for RASopathy. Last evaluated: 2025-09-02. Review status: criteria provided, single submitter. Criteria: Invitae Variant Classification Sherloc (09022015). Collection method: clinical testing. Allele origin: germline.
Comment: This sequence change replaces arginine, which is basic and polar, with glutamine, which is neutral and polar, at codon 282 of the RAF1 protein (p.Arg282Gln). This variant is present in population databases (rs752713997, gnomAD 0.003%). This variant has not been reported in the literature in individuals affected with RAF1-related conditions. ClinVar contains an entry for this variant (Variation ID: 503548). Invitae Evidence Modeling of protein sequence and biophysical properties (such as structural, functional, and spatial information, amino acid conservation, physicochemical variation, residue mobility, and thermodynamic stability) indicates that this missense variant is not expected to disrupt RAF1 protein function with a negative predictive value of 95%. In summary, the available evidence is currently insufficient to determine the role of this variant in disease. Therefore, it has been classified as a Variant of Uncertain Significance.

Ambry Genetics
Classification: Uncertain significance for Cardiovascular phenotype. Last evaluated: 2024-07-28. Review status: criteria provided, single submitter. Criteria: Ambry Variant Classification Scheme 2023. Collection method: clinical testing. Allele origin: germline.
Comment: The p.R282Q variant (also known as c.845G>A), located in coding exon 7 of the RAF1 gene, results from a G to A substitution at nucleotide position 845. The arginine at codon 282 is replaced by glutamine, an amino acid with highly similar properties. This amino acid position is well conserved in available vertebrate species. In addition, this alteration is predicted to be tolerated by in silico analysis. Since supporting evidence is limited at this time, the clinical significance of this alteration remains unclear.

Mayo Clinic Laboratories, Mayo Clinic
Classification: Uncertain significance. Last evaluated: 2024-03-19. Review status: criteria provided, single submitter. Criteria: ACMG Guidelines, 2015. Collection method: clinical testing. Allele origin: germline. Observed: 1 variant allele.
Comment: PP2

Blueprint Genetics
Classification: Uncertain significance. Last evaluated: 2023-04-20. Review status: criteria provided, single submitter. Criteria: ACMG Guidelines, 2015. Collection method: clinical testing. Allele origin: germline.

Women's Health and Genetics/Laboratory Corporation of America, LabCorp
Classification: Uncertain significance. Last evaluated: 2023-04-17. Review status: criteria provided, single submitter. Criteria: LabCorp Variant Classification Summary - May 2015. Collection method: clinical testing. Allele origin: germline.
Comment: Variant summary: RAF1 c.845G>A (p.Arg282Gln) results in a conservative amino acid change in the encoded protein sequence. Four of five in-silico tools predict a benign effect of the variant on protein function. The variant allele was found at a frequency of 1.6e-05 in 251422 control chromosomes. The available data on variant occurrences in the general population are insufficient to allow any conclusion about variant significance. c.845G>A has been reported in the literature in an individual with Hypertrophic Cardiomyopathy without evidence for causality (Ceyhan-Birsoy_2018). This report does not provide unequivocal conclusions about association of the variant with Noonan Syndrome. To our knowledge, no experimental evidence demonstrating an impact on protein function has been reported. Four clinical diagnostic laboratories have submitted clinical-significance assessments for this variant to ClinVar after 2014 and classified as VUS (n=3) and Likely Benign (n=1). Based on the evidence outlined above, the variant was classified as uncertain significance.

GeneDx
Classification: Likely benign. Last evaluated: 2020-09-25. Review status: criteria provided, single submitter. Criteria: GeneDx Variant Classification Process June 2021. Collection method: clinical testing. Allele origin: germline. Affected: yes.

Laboratory for Molecular Medicine, Mass General Brigham Personalized Medicine
Classification: Uncertain significance. Last evaluated: 2018-03-06. Review status: criteria provided, single submitter. Criteria: LMM Criteria. Collection method: clinical testing. Allele origin: germline.
Comment: Disclaimer: This variant has not undergone full assessment. The following are preliminary notes: gnomAd 3:12641904 C / T- in 3/111662 Europeans and 1/30782 South Asian, not in ClinVar, HGMD, or Google search; fairly well conserved; predicted to be benign by polyphen

Literature cited by the submitters: PubMed 29696744 (cited by Women's Health and Genetics/Laboratory Corporation of America, LabCorp).

NM_002880.4(RAF1):c.845G>A (p.Arg282Gln)

Gene: RAF1 (Raf-1 proto-oncogene, serine/threonine kinase; minus strand). Cytogenetic location: 3p25.2.
Variant type: single nucleotide variant.
Coding change: c.845G>A on transcript NM_002880.4 (MANE Select); coding-DNA position 845, G replaced by A.
Protein change: p.Arg282Gln; replaces arginine 282 with glutamine.
Molecular consequence: missense variant. On other transcripts: non-coding transcript variant (3).
Genome position (GRCh38, 1-based): chr3:12,600,405, C>T on the plus strand (G>A on the coding strand, the complement: RAF1 is on the minus strand). VCF-style: chr3-12600405-C-T. GRCh37 (hg19) VCF-style: chr3-12641904-C-T.
Other names: c.905G>A, p.Arg302Gln (NM_001354689.3); c.845G>A, p.Arg282Gln (NM_001354690.3); c.602G>A, p.Arg201Gln (NM_001354691.3, NM_001354692.3); c.746G>A, p.Arg249Gln (NM_001354693.3); c.662G>A, p.Arg221Gln (NM_001354694.3); c.503G>A, p.Arg168Gln (NM_001354695.3); short protein forms R282Q, R302Q, R168Q, R201Q, R221Q, R249Q.
Identifiers: ClinVar variation 503548 (VCV000503548.21), dbSNP rs752713997, ClinGen allele CA2259661.
Genomic context (GRCh38, chr3:12,600,405, plus strand): 5'-AAAAAAGCCCATTATTGTTGGCTAAATGACTATGGAAAAGTACCTGATTCGCTGTGACTT[C>T]GAATTGCATCCTGAAACAGAAAAGGAAAGCTGGTCAACTCCTACACACAAAAGATTTTCT-3'
Protein context (NP_002871.1, residues 272-292): VDSRMIEDAI[Arg282Gln]SHSESASPSA